The following is an entry in ClinVar:

ClinVar aggregate classification (germline): Conflicting classifications of pathogenicity. Review status: criteria provided, conflicting classifications (1 of 4 stars). 3 submissions from 3 submitters: Uncertain significance (2); Likely benign (1). Last evaluated 2019-03-19.

Conditions:
Autosomal recessive limb-girdle muscular dystrophy type 2J (LGMDR10). Also called: Limb-girdle muscular dystrophy, type 2J; MUSCULAR DYSTROPHY, LIMB-GIRDLE, AUTOSOMAL RECESSIVE 10. Identifiers: Orphanet 140922, MedGen C1837342, MONDO:0012127, OMIM 608807.
Dilated cardiomyopathy 1G (CMD1G). Identifiers: Orphanet 154, MedGen C1858763, MONDO:0011400, OMIM 604145.

Allele frequency attached by ClinVar (database versions not stated): gnomAD 0.00002; TOPMed 0.00003; gnomAD exomes 0.00004 and 0.00005; ExAC 0.00014.
gnomAD v4.1: 72 of 1,584,416 alleles (0.0045%); highest among the groups gnomAD compares: Non-Finnish European, 0.0058%; no homozygotes.

Submissions (3):

Revvity Omics, Revvity
Classification: Uncertain significance. Last evaluated: 2019-03-19. Review status: criteria provided, single submitter. Criteria: ACMG Guidelines, 2015. Collection method: clinical testing. Allele origin: germline.

GeneDx
Classification: Likely benign. Last evaluated: 2018-06-06. Review status: criteria provided, single submitter. Criteria: GeneDx Variant Classification (06012015). Collection method: clinical testing. Allele origin: germline. Affected: yes.
Comment: This variant is considered likely benign or benign based on one or more of the following criteria: it is a conservative change, it occurs at a poorly conserved position in the protein, it is predicted to be benign by multiple in silico algorithms, and/or has population frequency not consistent with disease.

Labcorp Genetics (formerly Invitae), Labcorp
Classification: Uncertain significance for Dilated cardiomyopathy 1G; Autosomal recessive limb-girdle muscular dystrophy type 2J. Last evaluated: 2017-12-18. Review status: criteria provided, single submitter. Criteria: Invitae Variant Classification Sherloc (09022015). Collection method: clinical testing. Allele origin: germline.

NM_001267550.2(TTN):c.39802G>T (p.Val13268Phe)

Gene: TTN (titin; minus strand). Cytogenetic location: 2q31.2.
Variant type: single nucleotide variant.
Coding change: c.39802G>T on transcript NM_001267550.2 (MANE Select); coding-DNA position 39802, G replaced by T.
Protein change: p.Val13268Phe; replaces valine 13268 with phenylalanine.
Molecular consequence: missense variant. On other transcripts: intron variant (3).
Genome position (GRCh38, 1-based): chr2:178,650,179, C>A on the plus strand (G>T on the coding strand, the complement: TTN is on the minus strand). VCF-style: chr2-178650179-C-A. GRCh37 (hg19) VCF-style: chr2-179514906-C-A.
Other names: c.35281G>T, p.Val11761Phe (NM_001256850.1); c.32500G>T, p.Val10834Phe (NM_133378.4); c.13283-7862G>T (NM_003319.4); c.13859-7862G>T (NM_133437.4); c.13658-7862G>T (NM_133432.3); short protein forms V13268F, V10834F, V11761F.
Identifiers: ClinVar variation 535428 (VCV000535428.7), dbSNP rs759268958, ClinGen allele CA1996603.